The following is an entry in ClinVar:

ClinVar aggregate classification (germline): Uncertain significance (1 of 4 stars; one submission).

Conditions:
NLGN4X-related disorder. Also called: NLGN4X-related condition.

Allele frequency attached by ClinVar (database versions not stated): gnomAD exomes below 0.00001; ExAC 0.00001; gnomAD 0.00002.
gnomAD v4.1: 4 of 1,209,657 alleles (0.00033%); highest among the groups gnomAD compares: African/African-American, 0.0018%; no homozygotes.

Submission:

PreventionGenetics, part of Exact Sciences
Classification: Uncertain significance for NLGN4X-related condition. Last evaluated: 2023-04-05. Review status: criteria provided, single submitter. Criteria: ACMG Guidelines, 2015. Collection method: clinical testing. Allele origin: germline.
Comment: The NLGN4X c.695G>A variant is predicted to result in the amino acid substitution p.Arg232Gln. To our knowledge, this variant has not been reported in the literature. This variant is reported in 0.0022% of alleles in individuals of European (Non-Finnish) descent in gnomAD. At this time, the clinical significance of this variant is uncertain due to the absence of conclusive functional and genetic evidence.

NM_181332.3(NLGN4X):c.695G>A (p.Arg232Gln)

Gene: NLGN4X (neuroligin 4 X-linked; minus strand). Cytogenetic location: Xp22.32.
Variant type: single nucleotide variant.
Coding change: c.695G>A on transcript NM_181332.3 (MANE Select); coding-DNA position 695, G replaced by A.
Protein change: p.Arg232Gln; replaces arginine 232 with glutamine.
Molecular consequence: missense variant.
Genome position (GRCh38, 1-based): chrX:5,909,170, C>T on the plus strand (G>A on the coding strand, the complement: NLGN4X is on the minus strand). VCF-style: chrX-5909170-C-T. GRCh37 (hg19) VCF-style: chrX-5827211-C-T.
Other names: c.695G>A, p.Arg232Gln (NM_001282145.2, NM_001282146.2, NM_020742.4); short protein forms R232Q.
Identifiers: ClinVar variation 2633563 (VCV002633563.1), dbSNP rs750325986, ClinGen allele CA10341133.